The following is an entry in ClinVar:

NM_005751.5(AKAP9):c.7409C>T (p.Thr2470Ile)

Gene: AKAP9 (A-kinase anchoring protein 9; plus strand). Cytogenetic location: 7q21.2.
Variant type: single nucleotide variant.
Coding change: c.7409C>T on transcript NM_005751.5 (MANE Select); coding-DNA position 7409, C replaced by T.
Protein change: p.Thr2470Ile; replaces threonine 2470 with isoleucine.
Molecular consequence: missense variant.
Genome position (GRCh38, 1-based): chr7:92,079,542, C>T. VCF-style: chr7-92079542-C-T. GRCh37 (hg19) VCF-style: chr7-91708856-C-T.
Other names: c.2054C>T, p.Thr685Ile (NM_001379277.1); c.7385C>T, p.Thr2462Ile (NM_147185.3); short protein forms T2470I, T2462I, T685I.
Identifiers: ClinVar variation 4265155 (VCV004265155.1).

ClinVar aggregate classification (germline): Uncertain significance (1 of 4 stars; one submission).

Conditions:
Cardiovascular phenotype. Identifiers: MedGen CN230736.

gnomAD v4.1: 1 of 1,613,780 alleles (0.000062%); highest among the groups gnomAD compares: Non-Finnish European, 0.000085%; no homozygotes.

Submission:

Ambry Genetics
Classification: Uncertain significance for Cardiovascular phenotype. Last evaluated: 2025-07-21. Review status: criteria provided, single submitter. Criteria: Ambry Variant Classification Scheme 2023. Collection method: clinical testing. Allele origin: germline.
Comment: The p.T2470I variant (also known as c.7409C>T), located in coding exon 31 of the AKAP9 gene, results from a C to T substitution at nucleotide position 7409. The threonine at codon 2470 is replaced by isoleucine, an amino acid with similar properties. This amino acid position is conserved. In addition, this alteration is predicted to be tolerated by in silico analysis. Based on the available evidence, the clinical significance of this variant remains unclear.